The following is an entry in ClinVar:

NM_001267550.2(TTN):c.13877C>T (p.Thr4626Ile)

Gene: TTN (titin; minus strand). Cytogenetic location: 2q31.2.
Variant type: single nucleotide variant.
Coding change: c.13877C>T on transcript NM_001267550.2 (MANE Select); coding-DNA position 13877, C replaced by T.
Protein change: p.Thr4626Ile; replaces threonine 4626 with isoleucine.
Molecular consequence: missense variant. On other transcripts: intron variant (1).
Genome position (GRCh38, 1-based): chr2:178,739,356, G>A on the plus strand (C>T on the coding strand, the complement: TTN is on the minus strand). VCF-style: chr2-178739356-G-A. GRCh37 (hg19) VCF-style: chr2-179604083-G-A.
Other names: c.12926C>T, p.Thr4309Ile (NM_001256850.1); c.12788C>T, p.Thr4263Ile (NM_003319.4); c.13163C>T, p.Thr4388Ile (NM_133432.3); c.13364C>T, p.Thr4455Ile (NM_133437.4); c.10361-996C>T (NM_133378.4); short protein forms T4309I, T4388I, T4263I, T4455I, T4626I.
Identifiers: ClinVar variation 1766974 (VCV001766974.2), dbSNP rs886039164, ClinGen allele CA349605980.

ClinVar aggregate classification (germline): Uncertain significance (1 of 4 stars; one submission).

Conditions:
Cardiovascular phenotype. Identifiers: MedGen CN230736.

Submission:

Ambry Genetics
Classification: Uncertain significance for Cardiovascular phenotype. Last evaluated: 2019-11-27. Review status: criteria provided, single submitter. Criteria: Ambry Variant Classification Scheme 2023. Collection method: clinical testing. Allele origin: germline.
Comment: The p.T4263I variant (also known as c.12788C>T), located in coding exon 44 of the TTN gene, results from a C to T substitution at nucleotide position 12788. The threonine at codon 4263 is replaced by isoleucine, an amino acid with similar properties. This amino acid position is not well conserved in available vertebrate species. In addition, this alteration is predicted to be tolerated by in silico analysis. Since supporting evidence is limited at this time, the clinical significance of this alteration remains unclear.